The following is an entry in ClinVar:

ClinVar aggregate classification (germline): Likely pathogenic (1 of 4 stars; one submission).

Conditions:
Gastrointestinal defects and immunodeficiency syndrome 1 (GIDID1). Also called: Combined immunodeficiency-enteropathy spectrum. Identifiers: Orphanet 436252, MedGen C5968858, MONDO:0800030, OMIM 243150.

Submission:

Aleixo Muise Laboratory, Hospital For Sick Children
Classification: Likely pathogenic for Gastrointestinal defects and immunodeficiency syndrome 1. Last evaluated: 2024-07-05. Review status: criteria provided, single submitter. Criteria: ACMG Guidelines, 2015. Collection method: research. Allele origin: inherited. Affected: yes. Observed: 1 variant allele.
Comment: PM2;PM3;PM5;PP3;PP4

NM_020458.4(TTC7A):c.2355+5G>A

Gene: TTC7A (tetratricopeptide repeat domain 7A; plus strand). Cytogenetic location: 2p21.
Variant type: single nucleotide variant.
Coding change: c.2355+5G>A on transcript NM_020458.4 (MANE Select); 5 bases into the intron after coding-DNA position 2355, G replaced by A.
Molecular consequence: intron variant.
Genome position (GRCh38, 1-based): chr2:47,060,976, G>A. VCF-style: chr2-47060976-G-A. GRCh37 (hg19) VCF-style: chr2-47288115-G-A.
Other names: c.2253+5G>A (NM_001288953.2); c.2427+5G>A (NM_001288951.2); c.1293+5G>A (NM_001288955.2).
Identifiers: ClinVar variation 3255330 (VCV003255330.1).
Genomic context (GRCh38, chr2:47,060,976, plus strand): 5'-TGTACAAGGAGGCGCTCACGGTGAACCCAGATGGCGTGCGCATCATGCATAGCCTGGTGA[G>A]TCAGAGCCCCCCGCGCTCCCACCACCTCCTCCCACAGCCTCAGGGCCCTTATCCCGCTTT-3'